The following is an entry in ClinVar:

NM_001267550.2(TTN):c.44404_44424+8del

Gene: TTN (titin; minus strand). Cytogenetic location: 2q31.2.
Variant type: Deletion.
Coding change: c.44404_44424+8del on transcript NM_001267550.2 (MANE Select); coding-DNA position 44404 through 8 bases into the intron after coding-DNA position 44424, 29 bases deleted (AAACTAGAGCCCAGCGATAAGGTAAAAAG).
Molecular consequence: splice donor variant.
Genome position (GRCh38, 1-based): chr2:178,629,293-178,629,321, CTTTTTACCTTATCGCTGGGCTCTAGTTT deleted on the plus strand (AAACTAGAGCCCAGCGATAAGGTAAAAAG on the coding strand, the reverse complement: TTN is on the minus strand); deleting any 29 consecutive bases within chr2:178,629,293-178,629,324 gives the same sequence; the c. name uses the placement nearest the transcript's 3' end. VCF-style (leftmost placement, unchanged base first): chr2-178629292-GCTTTTTACCTTATCGCTGGGCTCTAGTTT-G. GRCh37 (hg19) VCF-style: chr2-179494019-GCTTTTTACCTTATCGCTGGGCTCTAGTTT-G.
Other names: c.17209_17229+8del (NM_003319.4); c.17785_17805+8del (NM_133437.4); c.17584_17604+8del (NM_133432.3); c.36700_36720+8del (NM_133378.4); c.39481_39501+8del (NM_001256850.1).
Identifiers: ClinVar variation 1385127 (VCV001385127.6), dbSNP rs2154219379, ClinGen allele CA2573133763.
Genomic context (GRCh38, chr2:178,629,292, plus strand): 5'-GAACATACAAGTGAAGGTGGAAGAACTCCAGAAAAAGAACGGGAAAGACAAGGCATGCCT[GCTTTTTACCTTATCGCTGGGCTCTAGTTT>G]CTTCCCTTTGAGATACCATTCCACTGGGATATCTTCGTAGGAGAGCTCGCAGTCGAAGGT-3'

ClinVar aggregate classification (germline): Likely pathogenic (1 of 4 stars; one submission).

Conditions:
Dilated cardiomyopathy 1G (CMD1G). Identifiers: Orphanet 154, MedGen C1858763, MONDO:0011400, OMIM 604145.
Autosomal recessive limb-girdle muscular dystrophy type 2J (LGMDR10). Also called: MUSCULAR DYSTROPHY, LIMB-GIRDLE, AUTOSOMAL RECESSIVE 10; Limb-girdle muscular dystrophy, type 2J. Identifiers: Orphanet 140922, MedGen C1837342, MONDO:0012127, OMIM 608807.

Submission:

Labcorp Genetics (formerly Invitae), Labcorp
Classification: Likely pathogenic for Dilated cardiomyopathy 1G; Autosomal recessive limb-girdle muscular dystrophy type 2J. Last evaluated: 2024-10-18. Review status: criteria provided, single submitter. Criteria: Invitae Variant Classification Sherloc (09022015). Collection method: clinical testing. Allele origin: germline.
Comment: This variant results in the deletion of c.44404_44424+8del of the TTN gene. It is expected to disrupt RNA splicing and likely results in a truncated or disrupted TTN protein. This variant is not present in population databases (gnomAD no frequency). This variant has not been reported in the literature in individuals affected with TTN-related conditions. ClinVar contains an entry for this variant (Variation ID: 1385127). This variant is located in the I band of TTN (PMID: 25589632). Truncating variants in this region have been reported in individuals affected with autosomal recessive centronuclear myopathy (PMID: 23975875, internal data). Truncating variants in this region have also been identified in individuals affected with autosomal dominant dilated cardiomyopathy and/or cardio-related conditions (PMID: 27869827, 32964742, internal data). In summary, the currently available evidence indicates that the variant is pathogenic, but additional data are needed to prove that conclusively. Therefore, this variant has been classified as Likely Pathogenic.

Literature cited by the submitters: PubMed 25589632; PubMed 23975875; PubMed 27869827; PubMed 32964742.